The following is an entry in ClinVar:

ClinVar aggregate classification (germline): Uncertain significance (1 of 4 stars; one submission).

gnomAD v4.1: 8 of 1,554,340 alleles (0.00051%); highest among the groups gnomAD compares: South Asian, 0.0011%; no homozygotes.

Submission:

Labcorp Genetics (formerly Invitae), Labcorp
Classification: Uncertain significance. Last evaluated: 2026-01-14. Review status: criteria provided, single submitter. Criteria: Invitae Variant Classification Sherloc (09022015). Collection method: clinical testing. Allele origin: germline.
Comment: This sequence change falls in intron 5 of the TBCE gene. It does not directly change the encoded amino acid sequence of the TBCE protein. This variant is present in population databases (no rsID available, gnomAD 0.007%). This variant has not been reported in the literature in individuals affected with TBCE-related conditions. Algorithms developed to predict the effect of sequence changes on RNA splicing suggest that this variant may disrupt the consensus splice site. In summary, the available evidence is currently insufficient to determine the role of this variant in disease. Therefore, it has been classified as a Variant of Uncertain Significance.

NM_003193.5(TBCE):c.461-14A>G

Gene: TBCE (tubulin folding cofactor E; plus strand). Cytogenetic location: 1q42.3.
Variant type: single nucleotide variant.
Coding change: c.461-14A>G on transcript NM_003193.5 (MANE Select); 14 bases into the intron before coding-DNA position 461, A replaced by G.
Molecular consequence: intron variant.
Genome position (GRCh38, 1-based): chr1:235,427,126, A>G. VCF-style: chr1-235427126-A-G. GRCh37 (hg19) VCF-style: chr1-235590441-A-G.
Other names: c.461-14A>G (NM_001079515.3, NM_001287801.2); c.122-14A>G (NM_001287802.2).
Identifiers: ClinVar variation 4706200 (VCV004706200.1).
Genomic context (GRCh38, chr1:235,427,126, plus strand): 5'-TGGAATTAAGAGTAACTCCTTTTATGTCTTTTGTGAATCTTTTGAAATTACTGTTTCTTA[A>G]CATGTGCTTTTAGATATCAGAAAGGTAGATTTGTCAAAAAACCTGTTGTCATCATGGGAT-3'